The following is an entry in ClinVar:

ClinVar aggregate classification (germline): Likely pathogenic (1 of 4 stars; one submission).

Submission:

Labcorp Genetics (formerly Invitae), Labcorp
Classification: Likely pathogenic. Last evaluated: 2022-04-06. Review status: criteria provided, single submitter. Criteria: Invitae Variant Classification Sherloc (09022015). Collection method: clinical testing. Allele origin: germline.
Comment: In summary, the currently available evidence indicates that the variant is pathogenic, but additional data are needed to prove that conclusively. Therefore, this variant has been classified as Likely Pathogenic. Experimental studies have shown that this missense change affects SAMD9L function (PMID: 34621053). Algorithms developed to predict the effect of missense changes on protein structure and function are either unavailable or do not agree on the potential impact of this missense change (SIFT: "Not Available"; PolyPhen-2: "Benign"; Align-GVGD: "Not Available"). This missense change has been observed in individual(s) with clinical features of ataxia-pancytopenia syndrome (PMID: 30923096, 32098966). It has also been observed to segregate with disease in related individuals. This variant is not present in population databases (gnomAD no frequency). This sequence change replaces serine, which is neutral and polar, with asparagine, which is neutral and polar, at codon 1473 of the SAMD9L protein (p.Ser1473Asn).

Literature cited by the submitters: PubMed 34621053; PubMed 30923096; PubMed 32098966.

NM_152703.5(SAMD9L):c.4418G>A (p.Ser1473Asn)

Gene: SAMD9L (sterile alpha motif domain containing 9 like; minus strand). Cytogenetic location: 7q21.2.
Variant type: single nucleotide variant.
Coding change: c.4418G>A on transcript NM_152703.5 (MANE Select); coding-DNA position 4418, G replaced by A.
Protein change: p.Ser1473Asn; replaces serine 1473 with asparagine.
Molecular consequence: missense variant.
Genome position (GRCh38, 1-based): chr7:93,131,554, C>T on the plus strand (G>A on the coding strand, the complement: SAMD9L is on the minus strand). VCF-style: chr7-93131554-C-T. GRCh37 (hg19) VCF-style: chr7-92760867-C-T.
Other names: c.4418G>A, p.Ser1473Asn (NM_001303496.3, NM_001303497.3, NM_001303498.3 and 5 more transcripts); short protein forms S1473N.
Identifiers: ClinVar variation 2418948 (VCV002418948.6), dbSNP rs2535403044, ClinGen allele CA368173818.
Genomic context (GRCh38, chr7:93,131,554, plus strand): 5'-ATTTTGGCCTTGTGAACAATACTGTTTAGACCCTTCCTTTTGCCCAGATAGAAAAGTGTG[C>T]TTGCCTGCTTGGACCTGCACATGCGCTTGTACTGTCCCCTGAAGGATCTATTTAAGGATG-3'
Protein context (NP_689916.2, residues 1463-1483): YKRMCRSKQA[Ser1473Asn]TLFYLGKRKG